The following is an entry in ClinVar:

NM_198253.3(TERT):c.908A>T (p.His303Leu)

Gene: TERT (telomerase reverse transcriptase; minus strand). Cytogenetic location: 5p15.33.
Variant type: single nucleotide variant.
Coding change: c.908A>T on transcript NM_198253.3 (MANE Select); coding-DNA position 908, A replaced by T.
Protein change: p.His303Leu; replaces histidine 303 with leucine.
Molecular consequence: missense variant. On other transcripts: non-coding transcript variant (2).
Genome position (GRCh38, 1-based): chr5:1,293,978, T>A on the plus strand (A>T on the coding strand, the complement: TERT is on the minus strand). VCF-style: chr5-1293978-T-A. GRCh37 (hg19) VCF-style: chr5-1294093-T-A.
Other names: c.908A>T, p.His303Leu (NM_001193376.3); short protein forms H303L.
Identifiers: ClinVar variation 847395 (VCV000847395.13), dbSNP rs1751187792, ClinGen allele CA359056190.

ClinVar aggregate classification (germline): Uncertain significance. Review status: criteria provided, multiple submitters, no conflicts (2 of 4 stars). 4 submissions from 2 submitters: Uncertain significance (4). Last evaluated 2025-11-01.

Conditions:
Dyskeratosis congenita, autosomal dominant 2. Identifiers: MedGen C3151443, MONDO:0013521, OMIM 613989.
Idiopathic Pulmonary Fibrosis. Also called: Idiopathic fibrosing alveolitis, chronic form; idiopathic fibrosing alveolitis. Identifiers: Orphanet 2032, MedGen C1800706, MeSH D054990, MONDO:0800504.
Pulmonary fibrosis and/or bone marrow failure, Telomere-related, 1. Also called: PULMONARY FIBROSIS AND/OR BONE MARROW FAILURE SYNDROME, TELOMERE-RELATED, 1. Identifiers: Orphanet 88, MedGen C3553617, MONDO:0013878, OMIM 614742.
Aplastic anemia. Identifiers: Orphanet 182040, Orphanet 88, MedGen C0002874, MONDO:0015909, OMIM 609135, HP:0001915.

Submissions (4):

Labcorp Genetics (formerly Invitae), Labcorp
Classification: Uncertain significance for Dyskeratosis congenita, autosomal dominant 2; Idiopathic Pulmonary Fibrosis. Last evaluated: 2025-11-01. Review status: criteria provided, single submitter. Criteria: Invitae Variant Classification Sherloc (09022015). Collection method: clinical testing. Allele origin: germline.
Comment: This sequence change replaces histidine, which is basic and polar, with leucine, which is neutral and non-polar, at codon 303 of the TERT protein (p.His303Leu). This variant is not present in population databases (gnomAD no frequency). This variant has not been reported in the literature in individuals affected with TERT-related conditions. ClinVar contains an entry for this variant (Variation ID: 847395). Invitae Evidence Modeling of protein sequence and biophysical properties (such as structural, functional, and spatial information, amino acid conservation, physicochemical variation, residue mobility, and thermodynamic stability) indicates that this missense variant is not expected to disrupt TERT protein function with a negative predictive value of 95%. In summary, the available evidence is currently insufficient to determine the role of this variant in disease. Therefore, it has been classified as a Variant of Uncertain Significance.

Illumina Laboratory Services, Illumina
Classification: Uncertain significance for Aplastic anemia. Last evaluated: 2018-01-13. Review status: criteria provided, single submitter. Criteria: ICSL Variant Classification Criteria 13 December 2019. Collection method: clinical testing. Allele origin: germline.

Illumina Laboratory Services, Illumina
Classification: Uncertain significance for Pulmonary fibrosis and/or bone marrow failure, Telomere-related, 1. Last evaluated: 2018-01-13. Review status: criteria provided, single submitter. Criteria: ICSL Variant Classification Criteria 13 December 2019. Collection method: clinical testing. Allele origin: germline.

Illumina Laboratory Services, Illumina
Classification: Uncertain significance for Dyskeratosis congenita, autosomal dominant 2. Last evaluated: 2018-01-13. Review status: criteria provided, single submitter. Criteria: ICSL Variant Classification Criteria 13 December 2019. Collection method: clinical testing. Allele origin: germline.